The following is an entry in ClinVar:

ClinVar aggregate classification (germline): Uncertain significance (1 of 4 stars; one submission).

Conditions:
Candidiasis, familial, 9 (CANDF9). Identifiers: Orphanet 1334, MedGen C4225324, MONDO:0014642, OMIM 616445.

Allele frequency attached by ClinVar (database versions not stated): TOPMed 0.00006; gnomAD 0.00010.
gnomAD v4.1: 20 of 1,599,772 alleles (0.0013%); highest among the groups gnomAD compares: Admixed American, 0.035%; 1 homozygote.

Submission:

Labcorp Genetics (formerly Invitae), Labcorp
Classification: Uncertain significance for Candidiasis, familial, 9. Last evaluated: 2025-07-28. Review status: criteria provided, single submitter. Criteria: Invitae Variant Classification Sherloc (09022015). Collection method: clinical testing. Allele origin: germline.
Comment: This sequence change replaces leucine, which is neutral and non-polar, with phenylalanine, which is neutral and non-polar, at codon 588 of the IL17RC protein (p.Leu588Phe). This variant is present in population databases (no rsID available, gnomAD 0.01%). This variant has not been reported in the literature in individuals affected with IL17RC-related conditions. ClinVar contains an entry for this variant (Variation ID: 2191771). An algorithm developed to predict the effect of missense changes on protein structure and function (PolyPhen-2) suggests that this variant is likely to be disruptive. In summary, the available evidence is currently insufficient to determine the role of this variant in disease. Therefore, it has been classified as a Variant of Uncertain Significance.

NM_153460.4(IL17RC):c.1549C>T (p.Leu517Phe)

Gene: IL17RC (interleukin 17 receptor C; plus strand). Cytogenetic location: 3p25.3.
Variant type: single nucleotide variant.
Coding change: c.1549C>T on transcript NM_153460.4 (MANE Select); coding-DNA position 1549, C replaced by T.
Protein change: p.Leu517Phe; replaces leucine 517 with phenylalanine.
Molecular consequence: missense variant. On other transcripts: non-coding transcript variant (1).
Genome position (GRCh38, 1-based): chr3:9,932,979, C>T. VCF-style: chr3-9932979-C-T. GRCh37 (hg19) VCF-style: chr3-9974663-C-T.
Other names: c.1510C>T, p.Leu504Phe (NM_001203263.2); c.1459C>T, p.Leu487Phe (NM_001203264.2); c.1453C>T, p.Leu485Phe (NM_001203265.2); c.1471C>T, p.Leu491Phe (NM_001367278.1); c.1390C>T, p.Leu464Phe (NM_001367279.1); c.1465C>T, p.Leu489Phe (NM_001367280.1); c.1414C>T, p.Leu472Phe (NM_001410711.1); c.1504C>T, p.Leu502Phe (NM_032732.6); and 1 more; short protein forms L588F, L472F, L485F, L487F, L489F, L502F, L491F, L504F.
Identifiers: ClinVar variation 2191771 (VCV002191771.4), dbSNP rs1324499257, ClinGen allele CA351704278.
Genomic context (GRCh38, chr3:9,932,979, plus strand): 5'-CACCTCTTCCCTCCCCATCTGTTTTCTCCGGCAGCGGCCGCCAGGGGCCGCGCGGCTCTG[C>T]TCCTCTACTCAGCCGATGACTCGGGTTTCGAGCGCCTGGTGGGCGCCCTGGCGTCGGCCC-3'
Protein context (NP_703190.2, residues 507-527): GAAARGRAAL[Leu517Phe]LYSADDSGFE